The following is an entry in ClinVar:

NM_004281.4(BAG3):c.266T>A (p.Leu89His)

Gene: BAG3 (BAG cochaperone 3; plus strand). Cytogenetic location: 10q26.11.
Variant type: single nucleotide variant.
Coding change: c.266T>A on transcript NM_004281.4 (MANE Select); coding-DNA position 266, T replaced by A.
Protein change: p.Leu89His; replaces leucine 89 with histidine.
Molecular consequence: missense variant.
Genome position (GRCh38, 1-based): chr10:119,669,936, T>A. VCF-style: chr10-119669936-T-A. GRCh37 (hg19) VCF-style: chr10-121429448-T-A.
Other names: short protein forms L89H.
Identifiers: ClinVar variation 1449416 (VCV001449416.6), dbSNP rs1236900746, ClinGen allele CA378294756.

ClinVar aggregate classification (germline): Uncertain significance (1 of 4 stars; one submission).

Conditions:
Dilated cardiomyopathy 1HH (CMD1HH). Identifiers: Orphanet 154, MedGen C3151293, MONDO:0013479, OMIM 613881.
Myofibrillar myopathy 6. Identifiers: Orphanet 199340, MedGen C2751831, MONDO:0013061, OMIM 612954.

Allele frequency attached by ClinVar (database versions not stated): TOPMed below 0.00001.

Submission:

Labcorp Genetics (formerly Invitae), Labcorp
Classification: Uncertain significance for Dilated cardiomyopathy 1HH; Myofibrillar myopathy 6. Last evaluated: 2025-04-11. Review status: criteria provided, single submitter. Criteria: Invitae Variant Classification Sherloc (09022015). Collection method: clinical testing. Allele origin: germline.
Comment: This sequence change replaces leucine, which is neutral and non-polar, with histidine, which is basic and polar, at codon 89 of the BAG3 protein (p.Leu89His). This variant is not present in population databases (gnomAD no frequency). This variant has not been reported in the literature in individuals affected with BAG3-related conditions. ClinVar contains an entry for this variant (Variation ID: 1449416). Invitae Evidence Modeling of protein sequence and biophysical properties (such as structural, functional, and spatial information, amino acid conservation, physicochemical variation, residue mobility, and thermodynamic stability) indicates that this missense variant is expected to disrupt BAG3 protein function with a positive predictive value of 80%. In summary, the available evidence is currently insufficient to determine the role of this variant in disease. Therefore, it has been classified as a Variant of Uncertain Significance.